The following is an entry in ClinVar:

ClinVar aggregate classification (germline): Uncertain significance (1 of 4 stars; one submission).

Conditions:
BDNF-related disorder. Also called: BDNF-related condition.

Allele frequency attached by ClinVar (database versions not stated): gnomAD 0.00001; TOPMed 0.00002.

Submission:

PreventionGenetics, part of Exact Sciences
Classification: Uncertain significance for BDNF-related condition. Last evaluated: 2026-08-18. Review status: criteria provided, single submitter. Criteria: ACMG Guidelines, 2015. Collection method: clinical testing. Allele origin: germline.
Comment: The BDNF c.204C>G variant is predicted to result in the amino acid substitution p.Ile68Met. To our knowledge, this variant has not been reported in the literature. This variant is reported in 0.00092% of alleles in individuals of European (Non-Finnish) descent in gnomAD. At this time, the clinical significance of this variant is uncertain due to the absence of conclusive functional and genetic evidence.

NM_001709.5(BDNF):c.-21-15496C>G

Genes: BDNF (brain derived neurotrophic factor; minus strand), BDNF-AS (BDNF antisense RNA; plus strand). Cytogenetic location: 11p14.1.
Variant type: single nucleotide variant.
Coding change: c.-21-15496C>G on transcript NM_001709.5 (MANE Select); 15496 bases into the intron before 21 bases upstream of the start codon, C replaced by G.
Molecular consequence: intron variant. On other transcripts: missense variant (1), 5 prime UTR variant (1).
Genome position (GRCh38, 1-based): chr11:27,674,081, G>C on the plus strand (C>G on the coding strand, the complement: BDNF is on the minus strand). VCF-style: chr11-27674081-G-C. GRCh37 (hg19) VCF-style: chr11-27695628-G-C.
Other names: c.204C>G, p.Ile68Met (NM_001143810.2); c.-160C>G (NM_001143811.2); c.4-15496C>G (NM_170731.5); c.-21-15496C>G (NM_001143805.1, NM_001143806.1, NM_170732.4 and 5 more transcripts); c.67-15496C>G (NM_001143809.2); c.-128-15155C>G (NM_001143814.2); c.25-15496C>G (NM_170734.4); short protein forms I68M.
Identifiers: ClinVar variation 2634443 (VCV002634443.2), dbSNP rs1045077557, ClinGen allele CA219853821.